The following is an entry in ClinVar:

ClinVar aggregate classification (germline): Likely benign (1 of 4 stars; one submission).

Allele frequency attached by ClinVar (database versions not stated): gnomAD 0.00004 and 0.00009; TOPMed 0.00006; 1000 Genomes Project 30x 0.00016; 1000 Genomes Project 0.00020; ExAC 0.00021; gnomAD exomes 0.00022.

Submission:

GeneDx
Classification: Likely benign. Last evaluated: 2017-07-02. Review status: criteria provided, single submitter. Criteria: GeneDx Variant Classification (06012015). Collection method: clinical testing. Allele origin: germline. Affected: yes.
Comment: This variant is considered likely benign or benign based on one or more of the following criteria: it is a conservative change, it occurs at a poorly conserved position in the protein, it is predicted to be benign by multiple in silico algorithms, and/or has population frequency not consistent with disease.

NM_004588.5(SCN2B):c.-24C>T

Gene: SCN2B (sodium voltage-gated channel beta subunit 2; minus strand). Cytogenetic location: 11q23.3.
Variant type: single nucleotide variant.
Coding change: c.-24C>T on transcript NM_004588.5 (MANE Select); 24 bases upstream of the start codon, C replaced by T.
Molecular consequence: 5 prime UTR variant.
Genome position (GRCh38, 1-based): chr11:118,176,455, G>A on the plus strand (C>T on the coding strand, the complement: SCN2B is on the minus strand). VCF-style: chr11-118176455-G-A. GRCh37 (hg19) VCF-style: chr11-118047170-G-A.
Identifiers: ClinVar variation 518205 (VCV000518205.1), dbSNP rs569340745, ClinGen allele CA6300582.